The following is an entry in ClinVar:

ClinVar aggregate classification (germline): Benign. Review status: criteria provided, multiple submitters, no conflicts (2 of 4 stars). 5 submissions from 5 submitters: Benign (4). 1 of the submissions does not count toward it. Last evaluated 2026-02-01.

Conditions:
Cardiovascular phenotype. Identifiers: MedGen CN230736.
MYOM1-related disorder.
Hypertrophic cardiomyopathy. Also called: HYPERTROPHIC MYOCARDIOPATHY. Identifiers: Orphanet 217569, MedGen C0007194, MeSH D002312, MONDO:0005045, HP:0001639.

Allele frequency attached by ClinVar (database versions not stated): gnomAD exomes 0.00045 and 0.00114; ExAC 0.00134; gnomAD 0.00318 and 0.00345; ESP Exome Variant Server 0.00355; 1000 Genomes Project 30x 0.00422; 1000 Genomes Project 0.00439; TOPMed 0.00348.
gnomAD v4.1: 1,200 of 1,613,766 alleles (0.074%); highest among the groups gnomAD compares: African/African-American, 1%; 3 homozygotes.

Submissions (5):

Labcorp Genetics (formerly Invitae), Labcorp
Classification: Benign for Hypertrophic cardiomyopathy. Last evaluated: 2026-02-01. Review status: criteria provided, single submitter. Criteria: Invitae Variant Classification Sherloc (09022015). Collection method: clinical testing. Allele origin: germline.

Laboratory for Molecular Medicine, Mass General Brigham Personalized Medicine
Classification: Benign. Last evaluated: 2014-11-24. Review status: criteria provided, single submitter. Criteria: LMM Criteria. Collection method: clinical testing. Allele origin: germline. Observed: 2 variant alleles.
Comment: Thr727Ala in exon 15 of MYOM1: This variant is not expected to have clinical sig nificance because it has been identified in 1.1% (42/3852) of African American c hromosomes from a broad population by the NHLBI Exome Sequencing Project (dbSNP rs115382168).

Ambry Genetics
Classification: Benign for Cardiovascular phenotype. Last evaluated: 2013-02-28. Review status: criteria provided, single submitter. Criteria: Ambry Autosomal Dominant and X-Linked criteria (10/2015). Collection method: clinical testing. Allele origin: germline. Observed: 1 variant allele.
Comment: General population or subpopulation frequency is too high to be a pathogenic mutation based on disease/syndrome prevalence and penetrance

Breakthrough Genomics
Classification: Benign. Review status: criteria provided, single submitter. Criteria: ACMG Guidelines, 2015. Collection method: not provided. Allele origin: germline. Inheritance: Unknown mechanism. Affected: yes.

PreventionGenetics, part of Exact Sciences
Classification: Benign for MYOM1-related condition. Last evaluated: 2019-03-26. Review status: no assertion criteria provided. Collection method: clinical testing. Allele origin: germline. Not counted in ClinVar's aggregate classification.
Comment: This variant is classified as benign based on ACMG/AMP sequence variant interpretation guidelines (Richards et al. 2015 PMID: 25741868, with internal and published modifications).

NM_003803.4(MYOM1):c.2179A>G (p.Thr727Ala)

Gene: MYOM1 (myomesin 1; minus strand). Cytogenetic location: 18p11.31.
Variant type: single nucleotide variant.
Coding change: c.2179A>G on transcript NM_003803.4 (MANE Select); coding-DNA position 2179, A replaced by G.
Protein change: p.Thr727Ala; replaces threonine 727 with alanine.
Molecular consequence: missense variant.
Genome position (GRCh38, 1-based): chr18:3,135,577, T>C on the plus strand (A>G on the coding strand, the complement: MYOM1 is on the minus strand). VCF-style: chr18-3135577-T-C. GRCh37 (hg19) VCF-style: chr18-3135575-T-C.
Other names: c.2179A>G, p.Thr727Ala (NM_019856.2); short protein forms T727A.
Identifiers: ClinVar variation 226810 (VCV000226810.21), dbSNP rs115382168, ClinGen allele CA8874724.